The following is an entry in ClinVar:

ClinVar aggregate classification (germline): Likely pathogenic (1 of 4 stars; one submission).

Conditions:
Hereditary cancer-predisposing syndrome. Also called: Neoplastic Syndromes, Hereditary; Hereditary neoplastic syndrome; Tumor predisposition; Hereditary Cancer Syndrome. Identifiers: Orphanet 140162, MedGen C0027672, MeSH D009386, MONDO:0015356.

Submission:

Institute for Genomic Medicine (IGM) Clinical Laboratory, Nationwide Children's Hospital
Classification: Likely pathogenic for Hereditary cancer-predisposing syndrome. Last evaluated: 2024-02-13. Review status: criteria provided, single submitter. Criteria: ACMG Guidelines, 2015. Collection method: clinical testing. Allele origin: germline.
Comment: This variant is predicted to result in loss of function through nonsense-mediated decay of the encoded transcript or premature truncation of the encoded protein in a gene in which loss of function is a known mechanism of disease (ACMG/AMP: PVS1; PMIDs:21108436, 29706634). This variant is absent from or present at an exceedingly low frequency in gnomAD, a large-scale control population database (ACMG/AMP: PM2).

Literature cited by the submitters: PubMed 21108436; PubMed 29706634.

NM_003073.5(SMARCB1):c.732_757del (p.Gln244fs)

Gene: SMARCB1 (SWI/SNF related BAF chromatin remodeling complex subunit B1; plus strand). Cytogenetic location: 22q11.23.
Variant type: Deletion.
Coding change: c.732_757del on transcript NM_003073.5 (MANE Select); coding-DNA positions 732 to 757, 26 bases deleted (GATCGAGTCCTACCCCACGGACAGCA).
Protein change: p.Gln244fs; shifts the reading frame from glutamine 244.
Molecular consequence: frameshift variant.
Genome position (GRCh38, 1-based): chr22:23,816,873-23,816,898, GATCGAGTCCTACCCCACGGACAGCA deleted; deleting any 26 consecutive bases within chr22:23,816,866-23,816,898 gives the same sequence; the c. name uses the placement nearest the transcript's 3' end. VCF-style (leftmost placement, unchanged base first): chr22-23816865-AGACAGCAGATCGAGTCCTACCCCACG-A. GRCh37 (hg19) VCF-style: chr22-24159052-AGACAGCAGATCGAGTCCTACCCCACG-A.
Other names: c.705_730del, p.Gln235fs (NM_001007468.3); c.759_784del, p.Gln253fs (NM_001317946.2); c.786_811del, p.Gln262fs (NM_001362877.2); short protein forms Q235fs, Q244fs, Q253fs, Q262fs.
Identifiers: ClinVar variation 4759320 (VCV004759320.1).